The following is an entry in ClinVar:

ClinVar aggregate classification (germline): Likely pathogenic (1 of 4 stars; one submission).

Conditions:
Intellectual disability-facial dysmorphism syndrome due to SETD5 haploinsufficiency (MRD23). Also called: Intellectual developmental disorder, autosomal dominant 23. Identifiers: Orphanet 404440, MedGen C3810406, MONDO:0014336, OMIM 615761.

Submission:

Diagnostics Services (NGS), CSIR - Centre For Cellular And Molecular Biology
Classification: Likely pathogenic for Intellectual disability-facial dysmorphism syndrome due to SETD5 haploinsufficiency. Last evaluated: 2025-06-16. Review status: criteria provided, single submitter. Criteria: ACMG Guidelines, 2015. Collection method: clinical testing. Allele origin: unknown. Observed: 1 variant allele, 1 heterozygote.
Comment: The c.1659del variant is not present in publicly available population databases like 1000 Genomes, EVS, gnomAD, Indian Exome Database or our internal database. This variant has neither been published in the literature for SETD5-related conditions nor reported to clinical databases like Human Genome Mutation database (HGMD), ClinVar or OMIM in any affected individuals. In-silico pathogenicity prediction programs like MutationTaster2021, CADD, Franklin, Varsome etc predicted this variant to be likely deleterious, however these predictions were not confirmed by published functional studies. This variant causes frameshift at the 553rd amino acid position of the wild-type transcript which creates a premature translational stop signal at the altered transcript that may either result in translation of a truncated protein or cause nonsense mediated decay of the mRNA.

NM_001080517.3(SETD5):c.1659del (p.Val554fs)

Gene: SETD5 (SET domain containing 5; plus strand). Cytogenetic location: 3p25.3.
Variant type: Deletion.
Coding change: c.1659del on transcript NM_001080517.3 (MANE Select); coding-DNA position 1659, one base deleted (T; older notation c.1659delT).
Protein change: p.Val554fs; shifts the reading frame from valine 554.
Molecular consequence: frameshift variant.
Genome position (GRCh38, 1-based): chr3:9,447,184, T deleted. VCF-style (leftmost placement, unchanged base first): chr3-9447183-CT-C. GRCh37 (hg19) VCF-style: chr3-9488867-CT-C.
Other names: c.1365del, p.Val456fs (NM_001292043.2, NM_001349451.2); short protein forms V456fs, V554fs.
Identifiers: ClinVar variation 4057281 (VCV004057281.1).